The following is an entry in ClinVar:

ClinVar aggregate classification (germline): Uncertain significance (1 of 4 stars; one submission).

Submission:

Dasa
Classification: Uncertain significance. Last evaluated: 2025-10-13. Review status: criteria provided, single submitter. Criteria: DASA Assertion Criteria. Collection method: clinical testing. Allele origin: germline.
Comment: NM_001394062.1(MACF1):c.9526G>A (p.Val3176Ile) is a missense variant that results in the substitution of valine with isoleucine. This variant is absent from population databases. Computational prediction algorithms are consistent with a benign effect. The currently available literature and clinical evidence are not sufficient to establish a definitive association between this variant and the reported condition. Therefore, this variant is classified as a variant of uncertain significance.

NM_001394062.1(MACF1):c.9526G>A (p.Val3176Ile)

Gene: MACF1 (microtubule actin crosslinking factor 1; plus strand). Cytogenetic location: 1p34.3.
Variant type: single nucleotide variant.
Coding change: c.9526G>A on transcript NM_001394062.1 (MANE Select); coding-DNA position 9526, G replaced by A.
Protein change: p.Val3176Ile; replaces valine 3176 with isoleucine.
Molecular consequence: missense variant. On other transcripts: intron variant (1).
Genome position (GRCh38, 1-based): chr1:39,336,114, G>A. VCF-style: chr1-39336114-G-A. GRCh37 (hg19) VCF-style: chr1-39801786-G-A.
Other names: c.4629+8761G>A (NM_012090.5); short protein forms V3176I.
Identifiers: ClinVar variation 4881665 (VCV004881665.2).